The following is an entry in ClinVar:

ClinVar aggregate classification (germline): Conflicting classifications of pathogenicity. Review status: criteria provided, conflicting classifications (1 of 4 stars). 11 submissions from 11 submitters: Uncertain significance (10); Likely benign (1). Last evaluated 2026-01-11.

Conditions:
Hereditary cancer-predisposing syndrome. Also called: Neoplastic Syndromes, Hereditary; Hereditary neoplastic syndrome; Tumor predisposition; Hereditary Cancer Syndrome. Identifiers: Orphanet 140162, MedGen C0027672, MeSH D009386, MONDO:0015356.
Hereditary breast ovarian cancer syndrome. Also called: BRCA1- and BRCA2-Associated Hereditary Breast and Ovarian Cancer; Hereditary breast and/or ovarian cancer syndrome; Hereditary breast and ovarian cancer syndrome (HBOC); Hereditary breast and ovarian cancer syndrome; Hereditary breast and ovarian cancer; Breast and ovarian cancer. Identifiers: Orphanet 145, MedGen C0677776, MeSH D061325, MONDO:0003582. Disease mechanism: loss of function.
Familial cancer of breast. Also called: hereditary breast carcinoma; Hereditary breast cancer; BREAST CANCER, FAMILIAL. Identifiers: Orphanet 227535, MedGen C0346153, MONDO:0016419, OMIM 114480. Disease mechanism: loss of function.
Ataxia-telangiectasia syndrome (AT). Also called: Ataxia telangiectasia (A-T); Cerebello-oculocutaneous telangiectasia; Immunodeficiency with ataxia telangiectasia; LOUIS-BAR SYNDROME; AT, COMPLEMENTATION GROUP C; ATAXIA-TELANGIECTASIA, FRESNO VARIANT. Identifiers: Orphanet 100, MedGen C0004135, MONDO:0008840, OMIM 208900.

Allele frequency attached by ClinVar (database versions not stated): gnomAD 0.00001; gnomAD exomes below 0.00001; ExAC 0.00001; TOPMed 0.00001.
gnomAD v4.1: 7 of 1,613,712 alleles (0.00043%); highest among the groups gnomAD compares: Non-Finnish European, 0.00051%; no homozygotes.

Submissions (11):

Labcorp Genetics (formerly Invitae), Labcorp
Classification: Uncertain significance for Ataxia-telangiectasia syndrome. Last evaluated: 2026-01-11. Review status: criteria provided, single submitter. Criteria: Invitae Variant Classification Sherloc (09022015). Collection method: clinical testing. Allele origin: germline.
Comment: This sequence change replaces alanine, which is neutral and non-polar, with aspartic acid, which is acidic and polar, at codon 2798 of the ATM protein (p.Ala2798Asp). The frequency data for this variant in the population databases is considered unreliable, as metrics indicate poor data quality at this position in the gnomAD database. This missense change has been observed in individual(s) with breast cancer or lung cancer (PMID: 26689913, 34570441). ClinVar contains an entry for this variant (Variation ID: 220614). Invitae Evidence Modeling of protein sequence and biophysical properties (such as structural, functional, and spatial information, amino acid conservation, physicochemical variation, residue mobility, and thermodynamic stability) indicates that this missense variant is not expected to disrupt ATM protein function with a negative predictive value of 95%. In summary, the available evidence is currently insufficient to determine the role of this variant in disease. Therefore, it has been classified as a Variant of Uncertain Significance.

Mayo Clinic Laboratories, Mayo Clinic
Classification: Uncertain significance. Last evaluated: 2025-11-24. Review status: criteria provided, single submitter. Criteria: ACMG Guidelines, 2015. Collection method: clinical testing. Allele origin: germline. Observed: 2 variant alleles.
Comment: PM2_supporting

Ambry Genetics
Classification: Likely benign for Hereditary cancer-predisposing syndrome. Last evaluated: 2025-11-19. Review status: criteria provided, single submitter. Criteria: Ambry Variant Classification Scheme 2023. Collection method: clinical testing. Allele origin: germline.

Institute for Biomarker Research, Medical Diagnostic Laboratories, L.L.C.
Classification: Uncertain significance for Hereditary cancer-predisposing syndrome. Last evaluated: 2025-08-11. Review status: criteria provided, single submitter. Criteria: ACMG Guidelines, 2015. Collection method: clinical testing. Allele origin: germline.
Comment: The missense variant NM_000051.4(ATM):c.8393C>A (p.Ala2798Asp) has not been reported previously as a pathogenic variant nor as a benign variant, to our knowledge. The p.Ala2798Asp variant is novel (not in any individuals) in 1kG. There is a moderate physicochemical difference between alanine and aspartic acid. The gene ATM has a low rate of benign missense variation as indicated by a high missense variants Z-Score of 2.52. The gene ATM contains 177 pathogenic missense variants, indicating that missense variants are a common mechanism of disease in this gene. For these reasons, this variant has been classified as Uncertain Significance.

Center for Genomic Medicine, Rigshospitalet, Copenhagen University Hospital
Classification: Uncertain significance. Last evaluated: 2025-03-04. Review status: criteria provided, single submitter. Criteria: ACMG Guidelines, 2015. Collection method: clinical testing. Allele origin: germline.

GeneDx
Classification: Uncertain significance. Last evaluated: 2024-07-24. Review status: criteria provided, single submitter. Criteria: GeneDx Variant Classification Process June 2021. Collection method: clinical testing. Allele origin: germline. Affected: yes.
Comment: Observed in individuals with a personal and/or family history of breast, ovarian, or lung cancer (PMID: 26689913, 25186627, 31214250, 34570441, 25905921); In silico analysis indicates that this missense variant does not alter protein structure/function; Not observed at significant frequency in large population cohorts (gnomAD); This variant is associated with the following publications: (PMID: 25801821, 26689913, 25905921, 25186627, 31214250, 36243179, 23532176, 34570441)

Color Diagnostics, LLC DBA Color Health
Classification: Uncertain significance for Hereditary cancer-predisposing syndrome. Last evaluated: 2024-03-19. Review status: criteria provided, single submitter. Criteria: ACMG Guidelines, 2015. Collection method: clinical testing. Allele origin: germline.
Comment: This missense variant replaces alanine with aspartic acid at codon 2798 of the ATM protein. Computational prediction suggests that this variant may not impact protein structure and function. To our knowledge, functional studies have not been performed for this variant. This variant has been reported in an individual affected with early-onset breast cancer (PMID: 25186627), an individual affected with breast cancer without a family history (PMID: 25186627), a family affected with hereditary breast cancer (PMID: 34570441), an individual affected with lung squamous cell carcinoma (PMID: 26689913) and a suspected hereditary breast cancer family with a pathogenic CTR9 canonical splice site variant (PMID: 31214250). This variant has been identified in 1/251158 chromosomes in the general population by the Genome Aggregation Database (gnomAD). The available evidence is insufficient to determine the role of this variant in disease conclusively. Therefore, this variant is classified as a Variant of Uncertain Significance.

Women's Health and Genetics/Laboratory Corporation of America, LabCorp
Classification: Uncertain significance. Last evaluated: 2024-03-18. Review status: criteria provided, single submitter. Criteria: LabCorp Variant Classification Summary - May 2015. Collection method: clinical testing. Allele origin: germline.
Comment: Variant summary: ATM c.8393C>A (p.Ala2798Asp) results in a non-conservative amino acid change located in the Phosphatidylinositol 3-/4-kinase, catalytic domain of the encoded protein sequence. Four of five in-silico tools predict a benign effect of the variant on protein function. The variant allele was found at a frequency of 4e-06 in 251158 control chromosomes. The available data on variant occurrences in the general population are insufficient to allow any conclusion about variant significance. c.8393C>A has been reported in the literature in individuals affected with Breast Cancer without strong evidence for causality (Tung_2015, Okawa_2023, Yin_2019, Dong_2022). These report(s) do not provide unequivocal conclusions about association of the variant with Breast Cancer. To our knowledge, no experimental evidence demonstrating an impact on protein function has been reported. ClinVar contains an entry for this variant (Variation ID: 220614). Based on the evidence outlined above, the variant was classified as uncertain significance.

Baylor Genetics
Classification: Uncertain significance for Familial cancer of breast. Last evaluated: 2024-03-10. Review status: criteria provided, single submitter. Criteria: ACMG Guidelines, 2015. Collection method: clinical testing. Allele origin: unknown.

German Consortium for Hereditary Breast and Ovarian Cancer, University Hospital Cologne
Classification: Uncertain significance for Hereditary breast ovarian cancer syndrome. Last evaluated: 2024-01-09. Review status: criteria provided, single submitter. Criteria: ACMG Guidelines, 2015. Collection method: curation. Allele origin: germline.
Comment: . According to the ACMG standard criteria we chose this criterium: PM2 (supporting pathogenic): 1X in gnomAD NFE

Institute for Clinical Genetics, University Hospital TU Dresden, University Hospital TU Dresden
Classification: Uncertain significance. Last evaluated: 2021-11-03. Review status: criteria provided, single submitter. Criteria: ACMG Guidelines, 2015. Collection method: clinical testing. Allele origin: germline.

Literature cited by the submitters: PubMed 26689913 (cited by Labcorp Genetics (formerly Invitae), Labcorp and Color Diagnostics, LLC DBA Color Health); PubMed 34570441 (cited by 4 submitters); PubMed 25186627 (cited by 3 submitters); PubMed 31214250 (cited by 3 submitters); PubMed 40105422 (cited by Mayo Clinic Laboratories, Mayo Clinic); PubMed 40580951 (cited by Ambry Genetics); PubMed 36243179 (cited by Women's Health and Genetics/Laboratory Corporation of America, LabCorp).

NM_000051.4(ATM):c.8393C>A (p.Ala2798Asp)

Genes: ATM (ATM serine/threonine kinase; plus strand), C11orf65 (chromosome 11 open reading frame 65; minus strand). Cytogenetic location: 11q22.3.
Variant type: single nucleotide variant.
Coding change: c.8393C>A on transcript NM_000051.4 (MANE Select); coding-DNA position 8393, C replaced by A.
Protein change: p.Ala2798Asp; replaces alanine 2798 with aspartic acid.
Molecular consequence: missense variant. On other transcripts: intron variant (2).
Genome position (GRCh38, 1-based): chr11:108,343,346, C>A. VCF-style: chr11-108343346-C-A. GRCh37 (hg19) VCF-style: chr11-108214073-C-A.
Other names: p.Ala2798Asp; c.8393C>A, p.Ala2798Asp (NM_001351834.2); c.641-34275G>T (NM_001330368.2); c.695-8054G>T (NM_001351110.2); short protein forms A2798D.
Identifiers: ClinVar variation 220614 (VCV000220614.34), dbSNP rs772992098, ClinGen allele CA348832.